The following is an entry in ClinVar:

NM_000493.4(COL10A1):c.1769C>T (p.Thr590Ile)

Genes: COL10A1 (collagen type X alpha 1 chain; minus strand), NT5DC1 (5'-nucleotidase domain containing 1; plus strand). Cytogenetic location: 6q22.1.
Variant type: single nucleotide variant.
Coding change: c.1769C>T on transcript NM_000493.4 (MANE Select); coding-DNA position 1769, C replaced by T.
Protein change: p.Thr590Ile; replaces threonine 590 with isoleucine.
Molecular consequence: missense variant. On other transcripts: intron variant (1).
Genome position (GRCh38, 1-based): chr6:116,120,347, G>A on the plus strand (C>T on the coding strand, the complement: COL10A1 is on the minus strand). VCF-style: chr6-116120347-G-A. GRCh37 (hg19) VCF-style: chr6-116441510-G-A.
Other names: c.1769C>T, p.Thr590Ile (NM_001424106.1, NM_001424107.1); c.529+2402G>A (NM_152729.3); short protein forms T590I.
Identifiers: ClinVar variation 1388997 (VCV001388997.6), dbSNP rs778135685, ClinGen allele CA3968116.

ClinVar aggregate classification (germline): Uncertain significance (1 of 4 stars; one submission).

Allele frequency attached by ClinVar (database versions not stated): gnomAD exomes below 0.00001; TOPMed below 0.00001; ExAC 0.00001.
gnomAD v4.1: 2 of 1,614,212 alleles (0.00012%); highest among the groups gnomAD compares: African/African-American, 0.0013%; no homozygotes.

Submission:

Labcorp Genetics (formerly Invitae), Labcorp
Classification: Uncertain significance. Last evaluated: 2022-12-06. Review status: criteria provided, single submitter. Criteria: Invitae Variant Classification Sherloc (09022015). Collection method: clinical testing. Allele origin: germline.
Comment: This variant is present in population databases (rs778135685, gnomAD 0.003%). This sequence change replaces threonine, which is neutral and polar, with isoleucine, which is neutral and non-polar, at codon 590 of the COL10A1 protein (p.Thr590Ile). This variant has not been reported in the literature in individuals affected with COL10A1-related conditions. In summary, the available evidence is currently insufficient to determine the role of this variant in disease. Therefore, it has been classified as a Variant of Uncertain Significance. ClinVar contains an entry for this variant (Variation ID: 1388997). Advanced modeling of protein sequence and biophysical properties (such as structural, functional, and spatial information, amino acid conservation, physicochemical variation, residue mobility, and thermodynamic stability) has been performed at Invitae for this missense variant, however the output from this modeling did not meet the statistical confidence thresholds required to predict the impact of this variant on COL10A1 protein function.